The following is an entry in ClinVar:

NM_016553.5(NUP62):c.756G>C (p.Gly252=)

Genes: IL4I1 (interleukin 4 induced 1; minus strand), NUP62 (nucleoporin 62; minus strand). Cytogenetic location: 19q13.33.
Variant type: single nucleotide variant.
Coding change: c.756G>C on transcript NM_016553.5 (MANE Select); coding-DNA position 756, G replaced by C.
Protein change: p.Gly252=; no amino-acid change (glycine 252 retained).
Molecular consequence: synonymous variant. On other transcripts: intron variant (3).
Genome position (GRCh38, 1-based): chr19:49,909,052, C>G on the plus strand (G>C on the coding strand, the complement: NUP62 is on the minus strand). VCF-style: chr19-49909052-C-G. GRCh37 (hg19) VCF-style: chr19-50412309-C-G.
Other names: c.756G>C, p.Gly252= (NM_001193357.2, NM_012346.5, NM_153718.4 and 1 more transcripts); c.-227-4731G>C (NM_001258017.2, NM_172374.3); c.-285-4731G>C (NM_001258018.2).
Identifiers: ClinVar variation 1673001 (VCV001673001.11), dbSNP rs1290749, ClinGen allele CA9589058.

ClinVar aggregate classification (germline): Benign. Review status: criteria provided, multiple submitters, no conflicts (2 of 4 stars). 3 submissions from 3 submitters: Benign (2). 1 of the submissions does not count toward it. Last evaluated 2026-01-25.

Conditions:
NUP62-related disorder. Also called: NUP62-related condition.

Allele frequency attached by ClinVar (database versions not stated): gnomAD exomes 0.00935 and 0.01932; 1000 Genomes Project 0.05232; ExAC 0.01948; gnomAD 0.02463 and 0.02530; TOPMed 0.02913; 1000 Genomes Project 30x 0.05075; ESP Exome Variant Server 0.02076.
gnomAD v4.1: 17,871 of 1,612,988 alleles (1.1%); highest among the groups gnomAD compares: East Asian, 10%; 430 homozygotes.

Submissions (3):

Labcorp Genetics (formerly Invitae), Labcorp
Classification: Benign. Last evaluated: 2026-01-25. Review status: criteria provided, single submitter. Criteria: Invitae Variant Classification Sherloc (09022015). Collection method: clinical testing. Allele origin: germline.

Breakthrough Genomics
Classification: Benign. Review status: criteria provided, single submitter. Criteria: ACMG Guidelines, 2015. Collection method: not provided. Allele origin: germline. Inheritance: Autosomal recessive inheritance. Affected: yes.

PreventionGenetics, part of Exact Sciences
Classification: Benign for NUP62-related condition. Last evaluated: 2019-10-21. Review status: no assertion criteria provided. Collection method: clinical testing. Allele origin: germline. Not counted in ClinVar's aggregate classification.
Comment: This variant is classified as benign based on ACMG/AMP sequence variant interpretation guidelines (Richards et al. 2015 PMID: 25741868, with internal and published modifications).